The following is an entry in ClinVar:

ClinVar aggregate classification (germline): Pathogenic (1 of 4 stars; one submission).

Submission:

Labcorp Genetics (formerly Invitae), Labcorp
Classification: Pathogenic. Last evaluated: 2023-01-14. Review status: criteria provided, single submitter. Criteria: Invitae Variant Classification Sherloc (09022015). Collection method: clinical testing. Allele origin: germline.
Comment: For these reasons, this variant has been classified as Pathogenic. This variant disrupts a region of the RP2 protein in which other variant(s) (p.Asn316*) have been determined to be pathogenic (PMID: 32856788; Invitae). This suggests that this is a clinically significant region of the protein, and that variants that disrupt it are likely to be disease-causing. This variant has not been reported in the literature in individuals affected with RP2-related conditions. This variant is not present in population databases (gnomAD no frequency). This sequence change creates a premature translational stop signal (p.Val310Argfs*20) in the RP2 gene. While this is not anticipated to result in nonsense mediated decay, it is expected to disrupt the last 41 amino acid(s) of the RP2 protein.

Literature cited by the submitters: PubMed 32856788.

NM_006915.3(RP2):c.924_927dup (p.Val310fs)

Gene: RP2 (RP2 activator of ARL3 GTPase; plus strand). Cytogenetic location: Xp11.3.
Variant type: Duplication.
Coding change: c.924_927dup on transcript NM_006915.3 (MANE Select); coding-DNA positions 924 to 927, 4 bases duplicated (AGAA; older notation c.924_927dupAGAA).
Protein change: p.Val310fs; shifts the reading frame from valine 310.
Molecular consequence: frameshift variant.
Genome position (GRCh38, 1-based): chrX:46,877,545-46,877,548, AGAA duplicated. VCF-style (leftmost placement, unchanged base first): chrX-46877544-T-TAGAA. GRCh37 (hg19) VCF-style: chrX-46736979-T-TAGAA.
Other names: short protein forms V310fs.
Identifiers: ClinVar variation 2826428 (VCV002826428.3), dbSNP rs2519928505, ClinGen allele CA2739273473.